The following is an entry in ClinVar:

ClinVar aggregate classification (germline): Uncertain significance (1 of 4 stars; one submission).

Allele frequency attached by ClinVar (database versions not stated): TOPMed 0.00001.

Submission:

Labcorp Genetics (formerly Invitae), Labcorp
Classification: Uncertain significance. Last evaluated: 2022-09-01. Review status: criteria provided, single submitter. Criteria: Invitae Variant Classification Sherloc (09022015). Collection method: clinical testing. Allele origin: germline.
Comment: This sequence change replaces tyrosine, which is neutral and polar, with histidine, which is basic and polar, at codon 1340 of the CAD protein (p.Tyr1340His). This variant is not present in population databases (gnomAD no frequency). This variant has not been reported in the literature in individuals affected with CAD-related conditions. Algorithms developed to predict the effect of missense changes on protein structure and function (SIFT, PolyPhen-2, Align-GVGD) all suggest that this variant is likely to be disruptive. In summary, the available evidence is currently insufficient to determine the role of this variant in disease. Therefore, it has been classified as a Variant of Uncertain Significance.

NM_004341.5(CAD):c.4018T>C (p.Tyr1340His)

Gene: CAD (carbamoyl-phosphate synthetase 2, aspartate transcarbamylase, and dihydroorotase; plus strand). Cytogenetic location: 2p23.3.
Variant type: single nucleotide variant.
Coding change: c.4018T>C on transcript NM_004341.5 (MANE Select); coding-DNA position 4018, T replaced by C.
Protein change: p.Tyr1340His; replaces tyrosine 1340 with histidine.
Molecular consequence: missense variant.
Genome position (GRCh38, 1-based): chr2:27,235,584, T>C. VCF-style: chr2-27235584-T-C. GRCh37 (hg19) VCF-style: chr2-27458452-T-C.
Other names: c.3829T>C, p.Tyr1277His (NM_001306079.2); short protein forms Y1277H, Y1340H.
Identifiers: ClinVar variation 2089548 (VCV002089548.4), dbSNP rs1437448232, ClinGen allele CA346217709.